The following is an entry in ClinVar:

NM_032830.3(UTP4):c.1401A>T (p.Ser467=)

Gene: UTP4 (UTP4 small subunit processome component). Cytogenetic location: 16q22.1.
Variant type: single nucleotide variant.
Coding change: c.1401A>T on transcript NM_032830.3 (MANE Select); coding-DNA position 1401, A replaced by T.
Protein change: p.Ser467=; no amino-acid change (serine 467 retained).
Molecular consequence: synonymous variant.
Genome position (GRCh38, 1-based): chr16:69,157,197, A>T. VCF-style: chr16-69157197-A-T. GRCh37 (hg19) VCF-style: chr16-69191100-A-T.
Other names: c.1152A>T, p.Ser384= (NM_001318391.2).
Identifiers: ClinVar variation 3044288 (VCV003044288.2), dbSNP rs1963440330, ClinGen allele CA496161236.

ClinVar aggregate classification (germline): Likely benign (0 of 4 stars; one submission).

Conditions:
UTP4-related disorder. Also called: UTP4-related condition.

Allele frequency attached by ClinVar (database versions not stated): gnomAD exomes below 0.00001.
gnomAD v4.1: 1 of 1,614,210 alleles (0.000062%); highest among the groups gnomAD compares: Non-Finnish European, 0.000085%; no homozygotes.

Submission:

PreventionGenetics, part of Exact Sciences
Classification: Likely benign for UTP4-related condition. Last evaluated: 2023-10-12. Review status: no assertion criteria provided. Collection method: clinical testing. Allele origin: germline.
Comment: This variant is classified as likely benign based on ACMG/AMP sequence variant interpretation guidelines (Richards et al. 2015 PMID: 25741868, with internal and published modifications).